The following is an entry in ClinVar:

NM_000218.3(KCNQ1):c.1339C>T (p.Pro447Ser)

Gene: KCNQ1 (potassium voltage-gated channel subfamily Q member 1; plus strand). Cytogenetic location: 11p15.5.
Variant type: single nucleotide variant.
Coding change: c.1339C>T on transcript NM_000218.3 (MANE Select); coding-DNA position 1339, C replaced by T.
Protein change: p.Pro447Ser; replaces proline 447 with serine.
Molecular consequence: missense variant.
Genome position (GRCh38, 1-based): chr11:2,588,800, C>T. VCF-style: chr11-2588800-C-T. GRCh37 (hg19) VCF-style: chr11-2610030-C-T.
Other names: c.1243C>T, p.Pro415Ser (NM_001406836.1); c.1069C>T, p.Pro357Ser (NM_001406837.1); c.799C>T, p.Pro267Ser (NM_001406838.1); c.958C>T, p.Pro320Ser (NM_181798.2); short protein forms P267S, P320S, P357S, P415S, P447S.
Identifiers: ClinVar variation 4758581 (VCV004758581.1).

ClinVar aggregate classification (germline): Uncertain significance (1 of 4 stars; one submission).

Conditions:
Cardiac arrhythmia. Also called: Arrhythmia; Cardiac rhythm disease. Identifiers: MedGen C0003811, MONDO:0007263, HP:0011675.

Submission:

Color Diagnostics, LLC DBA Color Health
Classification: Uncertain significance for Cardiac arrhythmia. Last evaluated: 2025-06-17. Review status: criteria provided, single submitter. Criteria: ACMG Guidelines, 2015. Collection method: clinical testing. Allele origin: germline.
Comment: This missense variant replaces proline with serine at codon 447 of the KCNQ1 protein. Computational prediction is inconclusive regarding the impact of this variant on protein structure and function. To our knowledge, functional studies have not been reported for this variant. This variant has not been reported in individuals affected with KCNQ1-related disorders in the literature. This variant has not been identified in the general population by the Genome Aggregation Database (gnomAD). The available evidence is insufficient to determine the role of this variant in disease conclusively. Therefore, this variant is classified as a Variant of Uncertain Significance.